The following is an entry in ClinVar:

ClinVar aggregate classification (germline): Uncertain significance (1 of 4 stars; one submission).

Conditions:
Autosomal recessive severe congenital neutropenia due to CSF3R deficiency. Also called: Neutropenia, severe congenital, 7, autosomal recessive. Identifiers: Orphanet 420702, MedGen C4310764, MONDO:0014865, OMIM 617014.

Allele frequency attached by ClinVar (database versions not stated): gnomAD exomes below 0.00001; ExAC 0.00001; gnomAD 0.00001.
gnomAD v4.1: 3 of 1,614,168 alleles (0.00019%); highest among the groups gnomAD compares: Non-Finnish European, 0.00025%; no homozygotes.

Submission:

Labcorp Genetics (formerly Invitae), Labcorp
Classification: Uncertain significance for Autosomal recessive severe congenital neutropenia due to CSF3R deficiency. Last evaluated: 2024-06-24. Review status: criteria provided, single submitter. Criteria: Invitae Variant Classification Sherloc (09022015). Collection method: clinical testing. Allele origin: germline.
Comment: This sequence change replaces serine, which is neutral and polar, with threonine, which is neutral and polar, at codon 417 of the CSF3R protein (p.Ser417Thr). This variant is present in population databases (rs775696358, gnomAD 0.0009%). This variant has not been reported in the literature in individuals affected with CSF3R-related conditions. ClinVar contains an entry for this variant (Variation ID: 1991169). Advanced modeling of protein sequence and biophysical properties (such as structural, functional, and spatial information, amino acid conservation, physicochemical variation, residue mobility, and thermodynamic stability) performed at Invitae indicates that this missense variant is expected to disrupt CSF3R protein function with a positive predictive value of 80%. In summary, the available evidence is currently insufficient to determine the role of this variant in disease. Therefore, it has been classified as a Variant of Uncertain Significance.

NM_000760.4(CSF3R):c.1249T>A (p.Ser417Thr)

Gene: CSF3R (colony stimulating factor 3 receptor; minus strand). Cytogenetic location: 1p34.3.
Variant type: single nucleotide variant.
Coding change: c.1249T>A on transcript NM_000760.4 (MANE Select); coding-DNA position 1249, T replaced by A.
Protein change: p.Ser417Thr; replaces serine 417 with threonine.
Molecular consequence: missense variant.
Genome position (GRCh38, 1-based): chr1:36,471,469, A>T on the plus strand (T>A on the coding strand, the complement: CSF3R is on the minus strand). VCF-style: chr1-36471469-A-T. GRCh37 (hg19) VCF-style: chr1-36937070-A-T.
Other names: c.1249T>A, p.Ser417Thr (NM_156039.3, NM_172313.3); short protein forms S417T.
Identifiers: ClinVar variation 1991169 (VCV001991169.4), dbSNP rs775696358, ClinGen allele CA769253.